The following is an entry in ClinVar:

ClinVar aggregate classification (germline): Benign/Likely benign. Review status: criteria provided, multiple submitters, no conflicts (2 of 4 stars). 5 submissions from 5 submitters: Benign (1); Likely benign (4). Last evaluated 2026-01-30.

Conditions:
Familial adenomatous polyposis 1 (FAP1). Also called: FAMILIAL ADENOMATOUS POLYPOSIS 1, ATTENUATED; POLYPOSIS, ADENOMATOUS INTESTINAL. Identifiers: MedGen C2713442, MONDO:0021056, OMIM 175100. Disease mechanism: loss of function.
Hereditary cancer-predisposing syndrome. Also called: Tumor predisposition; Neoplastic Syndromes, Hereditary; Hereditary neoplastic syndrome; Hereditary Cancer Syndrome. Identifiers: Orphanet 140162, MedGen C0027672, MeSH D009386, MONDO:0015356.

Submissions (5):

Labcorp Genetics (formerly Invitae), Labcorp
Classification: Likely benign for Familial adenomatous polyposis 1. Last evaluated: 2026-01-30. Review status: criteria provided, single submitter. Criteria: Invitae Variant Classification Sherloc (09022015). Collection method: clinical testing. Allele origin: germline.

Color Diagnostics, LLC DBA Color Health
Classification: Likely benign for Hereditary cancer-predisposing syndrome. Last evaluated: 2025-05-30. Review status: criteria provided, single submitter. Criteria: ACMG Guidelines, 2015. Collection method: clinical testing. Allele origin: germline.

Myriad Genetics, Inc.
Classification: Benign for Familial adenomatous polyposis 1. Last evaluated: 2024-03-27. Review status: criteria provided, single submitter. Criteria: Myriad Autosomal Dominant, Autosomal Recessive and X-Linked Classification Criteria (2023). Collection method: clinical testing. Allele origin: unknown.
Comment: This variant is considered benign. This variant is a silent/synonymous amino acid change and it is not expected to impact splicing.

Ambry Genetics
Classification: Likely benign for Hereditary cancer-predisposing syndrome. Last evaluated: 2017-07-17. Review status: criteria provided, single submitter. Criteria: Ambry Variant Classification Scheme 2023. Collection method: clinical testing. Allele origin: germline.

GeneDx
Classification: Likely benign. Last evaluated: 2017-05-05. Review status: criteria provided, single submitter. Criteria: GeneDx Variant Classification (06012015). Collection method: clinical testing. Allele origin: germline. Affected: yes.
Comment: This variant is considered likely benign or benign based on one or more of the following criteria: it is a conservative change, it occurs at a poorly conserved position in the protein, it is predicted to be benign by multiple in silico algorithms, and/or has population frequency not consistent with disease.

NM_000038.6(APC):c.4779G>A (p.Lys1593=)

Gene: APC (APC regulator of Wnt signaling pathway; plus strand). Cytogenetic location: 5q22.2.
Variant type: single nucleotide variant.
Coding change: c.4779G>A on transcript NM_000038.6 (MANE Select); coding-DNA position 4779, G replaced by A.
Protein change: p.Lys1593=; no amino-acid change (lysine 1593 retained).
Molecular consequence: synonymous variant.
Genome position (GRCh38, 1-based): chr5:112,840,373, G>A. VCF-style: chr5-112840373-G-A. GRCh37 (hg19) VCF-style: chr5-112176070-G-A.
Other names: c.4779G>A, p.Lys1593= (NM_001127510.3, NM_001354895.2); c.4725G>A, p.Lys1575= (NM_001127511.3); c.4833G>A, p.Lys1611= (NM_001354896.2); c.4809G>A, p.Lys1603= (NM_001354897.2); c.4704G>A, p.Lys1568= (NM_001354898.2); c.4695G>A, p.Lys1565= (NM_001354899.2); c.4656G>A, p.Lys1552= (NM_001354900.2); c.4602G>A, p.Lys1534= (NM_001354901.2); and 5 more.
Identifiers: ClinVar variation 416721 (VCV000416721.18), dbSNP rs1060504872, ClinGen allele CA16611658.